The following is an entry in ClinVar:

NM_000540.3(RYR1):c.13478C>A (p.Pro4493His)

Gene: RYR1 (ryanodine receptor 1; plus strand). Cytogenetic location: 19q13.2.
Variant type: single nucleotide variant.
Coding change: c.13478C>A on transcript NM_000540.3 (MANE Select); coding-DNA position 13478, C replaced by A.
Protein change: p.Pro4493His; replaces proline 4493 with histidine.
Molecular consequence: missense variant.
Genome position (GRCh38, 1-based): chr19:38,566,951, C>A. VCF-style: chr19-38566951-C-A. GRCh37 (hg19) VCF-style: chr19-39057591-C-A.
Other names: c.13463C>A, p.Pro4488His (NM_001042723.2); short protein forms P4488H, P4493H.
Identifiers: ClinVar variation 3385596 (VCV003385596.1).
Genomic context (GRCh38, chr19:38,566,951, plus strand): 5'-GATGCTTGCCCTGTCCCTAGGTGGATGGAGTGGAGGAGGAGCTCCCGCCAGAGCCAGAGC[C>A]CGAGCCGGAACCAGAGCTGGAGCCGGAGAAAGCCGAGTGAGTGGCCTTGGGGCTGAGGGG-3'
Protein context (NP_000531.2, residues 4483-4503): VEEELPPEPE[Pro4493His]EPEPELEPEK

ClinVar aggregate classification (germline): Uncertain significance (1 of 4 stars; one submission).

Conditions:
Malignant hyperthermia, susceptibility to, 1 (MHS1). Also called: Anesthesia related hyperthermia; Malignant hyperpyrexia; Fulminating hyperpyrexia; Pharmacogenic myopathy; Malignant hyperthermia suceptibility 1; RYR1-Related Malignant Hyperthermia Susceptibility. Identifiers: Orphanet 423, MedGen C2930980, MONDO:0007783, OMIM 145600.

Submission:

All of Us Research Program, National Institutes of Health
Classification: Uncertain significance for Malignant hyperthermia, susceptibility to, 1. Last evaluated: 2024-09-23. Review status: criteria provided, single submitter. Criteria: ACMG Guidelines, 2015. Collection method: clinical testing. Allele origin: germline. Inheritance: Autosomal dominant inheritance. Observed: 1 variant allele, 1 heterozygote.
Comment: This study involves interpretation of variants in research participants for the purpose of population health screening. Participant phenotype was not available at the time of variant classification. Additional details can be found in publication PMID: 35346344, PMCID: PMC8962531